The following is an entry in ClinVar:

ClinVar aggregate classification (germline): Uncertain significance. Review status: criteria provided, multiple submitters, no conflicts (2 of 4 stars). 2 submissions from 2 submitters: Uncertain significance (2). Last evaluated 2026-06-01.

Allele frequency attached by ClinVar (database versions not stated): gnomAD exomes 0.00001; ESP Exome Variant Server 0.00008.
gnomAD v4.1: 20 of 1,614,100 alleles (0.0012%); highest among the groups gnomAD compares: South Asian, 0.0022%; no homozygotes.

Submissions (2):

CeGaT Center for Human Genetics Tuebingen
Classification: Uncertain significance. Last evaluated: 2026-06-01. Review status: criteria provided, single submitter. Criteria: CeGaT Center For Human Genetics Tuebingen Variant Classification Criteria Version 2. Collection method: clinical testing. Allele origin: germline. Affected: yes. Observed: 2 variant alleles.

Labcorp Genetics (formerly Invitae), Labcorp
Classification: Uncertain significance. Last evaluated: 2024-02-07. Review status: criteria provided, single submitter. Criteria: Invitae Variant Classification Sherloc (09022015). Collection method: clinical testing. Allele origin: germline.
Comment: This sequence change replaces aspartic acid, which is acidic and polar, with asparagine, which is neutral and polar, at codon 1137 of the ADCY5 protein (p.Asp1137Asn). This variant is present in population databases (rs372969062, gnomAD 0.003%). This variant has not been reported in the literature in individuals affected with ADCY5-related conditions. Advanced modeling of protein sequence and biophysical properties (such as structural, functional, and spatial information, amino acid conservation, physicochemical variation, residue mobility, and thermodynamic stability) performed at Invitae indicates that this missense variant is not expected to disrupt ADCY5 protein function with a negative predictive value of 95%. In summary, the available evidence is currently insufficient to determine the role of this variant in disease. Therefore, it has been classified as a Variant of Uncertain Significance.

NM_183357.3(ADCY5):c.3409G>A (p.Asp1137Asn)

Gene: ADCY5 (adenylate cyclase 5; minus strand). Cytogenetic location: 3q21.1.
Variant type: single nucleotide variant.
Coding change: c.3409G>A on transcript NM_183357.3 (MANE Select); coding-DNA position 3409, G replaced by A.
Protein change: p.Asp1137Asn; replaces aspartic acid 1137 with asparagine.
Molecular consequence: missense variant.
Genome position (GRCh38, 1-based): chr3:123,289,873, C>T on the plus strand (G>A on the coding strand, the complement: ADCY5 is on the minus strand). VCF-style: chr3-123289873-C-T. GRCh37 (hg19) VCF-style: chr3-123008720-C-T.
Other names: c.2359G>A, p.Asp787Asn (NM_001199642.1); c.3484G>A, p.Asp1162Asn (NM_001378259.1); short protein forms D1162N, D1137N, D787N.
Identifiers: ClinVar variation 2887234 (VCV002887234.5), dbSNP rs372969062, ClinGen allele CA2576776.
Genomic context (GRCh38, chr3:123,289,873, plus strand): 5'-TCATGGCAAAGTCGGCCAGTGCCTTGATGTGGGTCTTGCCCACCTTGTCGTAGGTAGAGT[C>T]GTTGAGGCCGGAGGCAGCCATGTAGGTGCTGCCGATGGTCTTGATCTTCTCCAGCTGCCG-3'
Protein context (NP_899200.1, residues 1127-1147): STYMAASGLN[Asp1137Asn]STYDKVGKTH